The following is an entry in ClinVar:

ClinVar aggregate classification (germline): Benign. Review status: criteria provided, multiple submitters, no conflicts (2 of 4 stars). 2 submissions from 2 submitters: Benign (2). Last evaluated 2018-06-14.

Allele frequency attached by ClinVar (database versions not stated): 1000 Genomes Project 0.11258; TOPMed 0.21009; gnomAD 0.21716 and 0.22108; gnomAD exomes 0.28501.
gnomAD v4.1: 330,806 of 1,186,984 alleles (28%); highest among the groups gnomAD compares: Middle Eastern, 40%; 35,373 homozygotes.

Submissions (2):

GeneDx
Classification: Benign. Last evaluated: 2018-06-14. Review status: criteria provided, single submitter. Criteria: GeneDx Variant Classification (06012015). Collection method: clinical testing. Allele origin: germline. Affected: yes.
Comment: This variant is considered likely benign or benign based on one or more of the following criteria: it is a conservative change, it occurs at a poorly conserved position in the protein, it is predicted to be benign by multiple in silico algorithms, and/or has population frequency not consistent with disease.

Breakthrough Genomics
Classification: Benign. Review status: criteria provided, single submitter. Criteria: ACMG Guidelines, 2015. Collection method: not provided. Allele origin: germline. Inheritance: X-linked inheritance. Affected: yes.

NM_005120.3(MED12):c.2056-63G>T

Gene: MED12 (mediator complex subunit 12; plus strand). Cytogenetic location: Xq13.1.
Variant type: single nucleotide variant.
Coding change: c.2056-63G>T on transcript NM_005120.3 (MANE Select); 63 bases into the intron before coding-DNA position 2056, G replaced by T.
Molecular consequence: intron variant.
Genome position (GRCh38, 1-based): chrX:71,124,913, G>T. VCF-style: chrX-71124913-G-T. GRCh37 (hg19) VCF-style: chrX-70344763-G-T.
Identifiers: ClinVar variation 673347 (VCV000673347.2), dbSNP rs5030616, ClinGen allele CA330977238.